The following is an entry in ClinVar:

NM_001370466.1(NOD2):c.2149C>T (p.Arg717Trp)

Gene: NOD2 (nucleotide binding oligomerization domain containing 2; plus strand). Cytogenetic location: 16q12.1.
Variant type: single nucleotide variant.
Coding change: c.2149C>T on transcript NM_001370466.1 (MANE Select); coding-DNA position 2149, C replaced by T.
Protein change: p.Arg717Trp; replaces arginine 717 with tryptophan.
Molecular consequence: missense variant. On other transcripts: non-coding transcript variant (1).
Genome position (GRCh38, 1-based): chr16:50,712,141, C>T. VCF-style: chr16-50712141-C-T. GRCh37 (hg19) VCF-style: chr16-50746052-C-T.
Other names: c.2149C>T, p.Arg717Trp (NM_001293557.2); c.2230C>T, p.Arg744Trp (NM_022162.3); short protein forms R717W, R744W.
Identifiers: ClinVar variation 653293 (VCV000653293.26), dbSNP rs140876663, ClinGen allele CA8051732.

ClinVar aggregate classification (germline): Conflicting classifications of pathogenicity. Review status: criteria provided, conflicting classifications (1 of 4 stars). 7 submissions from 6 submitters: Uncertain significance (5); Likely benign (1). 1 of the submissions does not count toward it. Last evaluated 2026-01-07.

Conditions:
Autoinflammatory syndrome. Identifiers: Orphanet 93665, MedGen C3890737, MONDO:0019751.
Regional enteritis. Also called: Enteritis, Granulomatous. Identifiers: MedGen C0678202, MeSH D003424.
Blau syndrome (BLAUS). Also called: GRANULOMATOSIS, FAMILIAL JUVENILE SYSTEMIC; GRANULOMATOSIS, FAMILIAL, BLAU TYPE; GRANULOMATOUS INFLAMMATORY ARTHRITIS, DERMATITIS, AND UVEITIS, FAMILIAL; JABS SYNDROME; ARTHROCUTANEOUVEAL GRANULOMATOSIS. Identifiers: Orphanet 90340, MedGen C5201146, MONDO:0008523, OMIM 186580.
Inflammatory bowel disease 1 (IBD1). Also called: Inflammatory bowel disease 1, Crohn disease; INFLAMMATORY BOWEL DISEASE (CROHN DISEASE) 1. Identifiers: MedGen CN260071, MONDO:0009960, OMIM 266600.
NOD2-related disorder. Also called: NOD2-related condition.

Allele frequency attached by ClinVar (database versions not stated): ExAC 0.00007; gnomAD exomes 0.00007 and 0.00010; gnomAD 0.00011 and 0.00014; TOPMed 0.00012; ESP Exome Variant Server 0.00023.

Submissions (7):

Labcorp Genetics (formerly Invitae), Labcorp
Classification: Uncertain significance for Regional enteritis; Blau syndrome. Last evaluated: 2026-01-07. Review status: criteria provided, single submitter. Criteria: Invitae Variant Classification Sherloc (09022015). Collection method: clinical testing. Allele origin: germline.
Comment: This sequence change replaces arginine, which is basic and polar, with tryptophan, which is neutral and slightly polar, at codon 744 of the NOD2 protein (p.Arg744Trp). This variant is present in population databases (rs140876663, gnomAD 0.03%). This missense change has been observed in individual(s) with inflammatory bowel disease (PMID: 32463623). ClinVar contains an entry for this variant (Variation ID: 653293). Invitae Evidence Modeling of protein sequence and biophysical properties (such as structural, functional, and spatial information, amino acid conservation, physicochemical variation, residue mobility, and thermodynamic stability) indicates that this missense variant is not expected to disrupt NOD2 protein function with a negative predictive value of 95%. In summary, the available evidence is currently insufficient to determine the role of this variant in disease. Therefore, it has been classified as a Variant of Uncertain Significance.

Blueprint Genetics
Classification: Uncertain significance. Last evaluated: 2024-10-14. Review status: criteria provided, single submitter. Criteria: ACMG Guidelines, 2015. Collection method: clinical testing. Allele origin: germline.

Mayo Clinic Laboratories, Mayo Clinic
Classification: Uncertain significance. Last evaluated: 2020-11-03. Review status: criteria provided, single submitter. Criteria: ACMG Guidelines, 2015. Collection method: clinical testing. Allele origin: germline. Observed: 1 variant allele.

Genome Diagnostics Laboratory, The Hospital for Sick Children
Classification: Uncertain significance for Autoinflammatory syndrome. Last evaluated: 2020-03-01. Review status: criteria provided, single submitter. Criteria: ACMG Guidelines, 2015. Collection method: clinical testing. Allele origin: germline. Affected: yes.

Illumina Laboratory Services, Illumina
Classification: Likely benign for Blau syndrome. Last evaluated: 2018-01-13. Review status: criteria provided, single submitter. Criteria: ICSL Variant Classification Criteria 13 December 2019. Collection method: clinical testing. Allele origin: germline.
Comment: This variant was observed in the ICSL laboratory as part of a predisposition screen in an ostensibly healthy population. It had not been previously curated by ICSL or reported in the Human Gene Mutation Database (HGMD: prior to June 1st, 2018), and was therefore a candidate for classification through an automated scoring system. Utilizing variant allele frequency, disease prevalence and penetrance estimates, and inheritance mode, an automated score was calculated to assess if this variant is too frequent to cause the disease. Based on the score and internal cut-off values, a variant classified as likely benign is not then subjected to further curation. The score for this variant resulted in a classification of likely benign for this disease.

Illumina Laboratory Services, Illumina
Classification: Uncertain significance for Inflammatory bowel disease 1. Last evaluated: 2018-01-13. Review status: criteria provided, single submitter. Criteria: ICSL Variant Classification Criteria 13 December 2019. Collection method: clinical testing. Allele origin: germline.

PreventionGenetics, part of Exact Sciences
Classification: Uncertain significance for NOD2-related condition. Last evaluated: 2024-08-23. Review status: no assertion criteria provided. Collection method: clinical testing. Allele origin: germline. Not counted in ClinVar's aggregate classification.
Comment: The NOD2 c.2230C>T variant is predicted to result in the amino acid substitution p.Arg744Trp. This variant has conflicting classifications listed in ClinVar ranging from likely benign to uncertain. This variant is reported in 0.031% of alleles in individuals of Latino descent in gnomAD. At this time, the clinical significance of this variant is uncertain due to the absence of conclusive functional and genetic evidence.

Literature cited by the submitters: PubMed 32463623 (cited by Labcorp Genetics (formerly Invitae), Labcorp).